The following is an entry in ClinVar:

ClinVar aggregate classification (germline): Uncertain significance (1 of 4 stars; one submission).

Submission:

Labcorp Genetics (formerly Invitae), Labcorp
Classification: Uncertain significance. Last evaluated: 2024-12-02. Review status: criteria provided, single submitter. Criteria: Invitae Variant Classification Sherloc (09022015). Collection method: clinical testing. Allele origin: germline.
Comment: This sequence change replaces glycine, which is neutral and non-polar, with alanine, which is neutral and non-polar, at codon 6243 of the ADGRV1 protein (p.Gly6243Ala). This variant is not present in population databases (gnomAD no frequency). This variant has not been reported in the literature in individuals affected with ADGRV1-related conditions. ClinVar contains an entry for this variant (Variation ID: 1715326). An algorithm developed to predict the effect of missense changes on protein structure and function outputs the following: PolyPhen-2: "Probably Damaging". The alanine amino acid residue is found in multiple mammalian species, which suggests that this missense change does not adversely affect protein function. In summary, the available evidence is currently insufficient to determine the role of this variant in disease. Therefore, it has been classified as a Variant of Uncertain Significance.

NM_032119.4(ADGRV1):c.18728G>C (p.Gly6243Ala)

Gene: ADGRV1 (adhesion G protein-coupled receptor V1; plus strand). Cytogenetic location: 5q14.3.
Variant type: single nucleotide variant.
Coding change: c.18728G>C on transcript NM_032119.4 (MANE Select); coding-DNA position 18728, G replaced by C.
Protein change: p.Gly6243Ala; replaces glycine 6243 with alanine.
Molecular consequence: missense variant. On other transcripts: non-coding transcript variant (1).
Genome position (GRCh38, 1-based): chr5:91,153,324, G>C. VCF-style: chr5-91153324-G-C. GRCh37 (hg19) VCF-style: chr5-90449141-G-C.
Other names: short protein forms G6243A.
Identifiers: ClinVar variation 1715326 (VCV001715326.5), dbSNP rs2533413010, ClinGen allele CA360432660.